The following is an entry in ClinVar:

NC_000017.10:g.(?_8017782)_(8027402_?)del

Genes: ALOXE3 (arachidonate epidermal lipoxygenase 3; minus strand), HES7 (hes family bHLH transcription factor 7; minus strand), TRK-TTT3-5 (tRNA-Lys (anticodon TTT) 3-5; plus strand), TRL-TAG1-1 (tRNA-Leu (anticodon TAG) 1-1; minus strand), TRQ-CTG1-5 (tRNA-Gln (anticodon CTG) 1-5; plus strand) and 1 more. Cytogenetic location: 17p13.1.
Variant type: Deletion.
Identifiers: ClinVar variation 1447976 (VCV001447976.4).

ClinVar aggregate classification (germline): Uncertain significance (1 of 4 stars; one submission).

Submission:

Labcorp Genetics (formerly Invitae), Labcorp
Classification: Uncertain significance. Last evaluated: 2021-09-16. Review status: criteria provided, single submitter. Criteria: Invitae Variant Classification Sherloc (09022015). Collection method: clinical testing. Allele origin: germline.
Comment: In summary, the available evidence is currently insufficient to determine the role of this variant in disease. Therefore, it has been classified as a Variant of Uncertain Significance. This variant has not been reported in the literature in individuals affected with HES7-related conditions. A gross deletion of the genomic region encompassing the full coding sequence of the HES7 gene has been identified. The current clinical and genetic evidence is not sufficient to establish whether loss-of-function variants in HES7 cause disease. The boundaries of this event are unknown as they extend beyond the assayed region for this gene and therefore may encompass additional genes.